The following is an entry in ClinVar:

NM_004415.4(DSP):c.647A>C (p.Gln216Pro)

Gene: DSP (desmoplakin; plus strand). Cytogenetic location: 6p24.3.
Variant type: single nucleotide variant.
Coding change: c.647A>C on transcript NM_004415.4 (MANE Select); coding-DNA position 647, A replaced by C.
Protein change: p.Gln216Pro; replaces glutamine 216 with proline.
Molecular consequence: missense variant.
Genome position (GRCh38, 1-based): chr6:7,562,701, A>C. VCF-style: chr6-7562701-A-C. GRCh37 (hg19) VCF-style: chr6-7562934-A-C.
Other names: c.647A>C, p.Gln216Pro (NM_001008844.3, NM_001319034.2); short protein forms Q216P.
Identifiers: ClinVar variation 927441 (VCV000927441.10), dbSNP rs1758736357, ClinGen allele CA362673469.

ClinVar aggregate classification (germline): Uncertain significance. Review status: criteria provided, multiple submitters, no conflicts (2 of 4 stars). 5 submissions from 5 submitters: Uncertain significance (5). Last evaluated 2024-08-06.

Conditions:
Cardiomyopathy (CMYO). Also called: Cardiomyopathies. Identifiers: Orphanet 167848, MedGen C0878544, MONDO:0004994, HP:0001638. Inheritance: Various modes of inheritance.
Lethal acantholytic epidermolysis bullosa (EBLA). Identifiers: Orphanet 158687, MedGen C1864826, MONDO:0012323, OMIM 609638.
Woolly hair-skin fragility syndrome (WHSF). Identifiers: Orphanet 293165, MedGen C1843292, MONDO:0957307, OMIM 620415.
Arrhythmogenic cardiomyopathy with wooly hair and keratoderma. Also called: PALMOPLANTAR KERATODERMA WITH LEFT VENTRICULAR CARDIOMYOPATHY AND WOOLLY HAIR; Carvajal syndrome; Dilated cardiomyopathy with woolly hair and keratoderma; Arrhythmogenic cardiomyopathy with woolly hair and keratoderma. Identifiers: Orphanet 65282, MedGen C1854063, MONDO:0011581, OMIM 605676.
Cardiomyopathy, dilated, with wooly hair, keratoderma, and tooth agenesis. Also called: Cardiomyopathy, dilated, with woolly hair, keratoderma, and tooth agenesis; Erythrokeratodermia-cardiomyopathy syndrome. Identifiers: Orphanet 476096, Orphanet 65282, MedGen C4014393, MONDO:0014355, OMIM 615821.
Arrhythmogenic right ventricular dysplasia 8 (ARVD8). Also called: ARRHYTHMOGENIC RIGHT VENTRICULAR DYSPLASIA, FAMILIAL, 8; Arrhythmogenic Right Ventricular Dysplasia/Cardiomyopathy 8; ARRHYTHMOGENIC RIGHT VENTRICULAR CARDIOMYOPATHY 8. Identifiers: MedGen C1843896, MONDO:0011831, OMIM 607450.
Keratosis palmoplantaris striata 2. Also called: Keratosis palmoplantaris striata II; KERATODERMA, PALMOPLANTAR, STRIATE FORM II; STRIATE PALMOPLANTAR KERATODERMA II. Identifiers: MedGen C1852127, MONDO:0013034, OMIM 612908.

Allele frequency attached by ClinVar (database versions not stated): gnomAD exomes below 0.00001.
gnomAD v4.1: 1 of 1,614,200 alleles (0.000062%); highest among the groups gnomAD compares: Non-Finnish European, 0.000085%; no homozygotes.

Submissions (5):

All of Us Research Program, National Institutes of Health
Classification: Uncertain significance for Arrhythmogenic cardiomyopathy with wooly hair and keratoderma. Last evaluated: 2024-08-06. Review status: criteria provided, single submitter. Criteria: ACMG Guidelines, 2015. Collection method: clinical testing. Allele origin: germline. Inheritance: Autosomal dominant inheritance. Observed: 1 variant allele, 1 heterozygote.
Comment: This study involves interpretation of variants in research participants for the purpose of population health screening. Participant phenotype was not available at the time of variant classification. Additional details can be found in publication PMID: 35346344, PMCID: PMC8962531

Labcorp Genetics (formerly Invitae), Labcorp
Classification: Uncertain significance for Arrhythmogenic cardiomyopathy with wooly hair and keratoderma; Arrhythmogenic right ventricular dysplasia 8. Last evaluated: 2024-07-16. Review status: criteria provided, single submitter. Criteria: Invitae Variant Classification Sherloc (09022015). Collection method: clinical testing. Allele origin: germline.
Comment: This sequence change replaces glutamine, which is neutral and polar, with proline, which is neutral and non-polar, at codon 216 of the DSP protein (p.Gln216Pro). This variant is not present in population databases (gnomAD no frequency). This variant has not been reported in the literature in individuals affected with DSP-related conditions. ClinVar contains an entry for this variant (Variation ID: 927441). An algorithm developed to predict the effect of missense changes on protein structure and function (PolyPhen-2) suggests that this variant is likely to be disruptive. In summary, the available evidence is currently insufficient to determine the role of this variant in disease. Therefore, it has been classified as a Variant of Uncertain Significance.

Color Diagnostics, LLC DBA Color Health
Classification: Uncertain significance for Cardiomyopathy. Last evaluated: 2024-03-06. Review status: criteria provided, single submitter. Criteria: ACMG Guidelines, 2015. Collection method: clinical testing. Allele origin: germline.
Comment: This missense variant replaces glutamine with proline at codon 216 of the DSP protein. Computational prediction is inconclusive regarding the impact of this variant on protein structure and function (internally defined REVEL score threshold 0.5 < inconclusive < 0.7, PMID: 27666373). To our knowledge, functional studies have not been reported for this variant. This variant has not been reported in individuals affected with cardiovascular disorders in the literature. This variant has not been identified in the general population by the Genome Aggregation Database (gnomAD). The available evidence is insufficient to determine the role of this variant in disease conclusively. Therefore, this variant is classified as a Variant of Uncertain Significance.

GeneDx
Classification: Uncertain significance. Last evaluated: 2022-01-12. Review status: criteria provided, single submitter. Criteria: GeneDx Variant Classification Process June 2021. Collection method: clinical testing. Allele origin: germline. Affected: yes.
Comment: Reported in a proband in association with a DSP-related cardiomyopathy, although specific clinical information was not included (Smith et al., 2020); Not observed at significant frequency in large population cohorts (gnomAD); In silico analysis supports that this missense variant does not alter protein structure/function; Reported in ClinVar as a variant of uncertain significance (ClinVar Variant ID# 927441); This variant is associated with the following publications: (PMID: 32372669)

Fulgent Genetics
Classification: Uncertain significance for Arrhythmogenic cardiomyopathy with wooly hair and keratoderma; Arrhythmogenic right ventricular dysplasia 8; Lethal acantholytic epidermolysis bullosa; Keratosis palmoplantaris striata 2; Cardiomyopathy, dilated, with wooly hair, keratoderma, and tooth agenesis. Last evaluated: 2021-09-03. Review status: criteria provided, single submitter. Criteria: ACMG Guidelines, 2015. Collection method: clinical testing. Allele origin: unknown.